The following is an entry in ClinVar:

NM_000038.6(APC):c.891_894del (p.His298fs)

Gene: APC (APC regulator of Wnt signaling pathway; plus strand). Cytogenetic location: 5q22.2.
Variant type: Microsatellite.
Coding change: c.891_894del on transcript NM_000038.6 (MANE Select); coding-DNA positions 891 to 894, 4 bases deleted (ACAC; older notation c.891_894delACAC).
Protein change: p.His298fs; shifts the reading frame from histidine 298.
Molecular consequence: frameshift variant.
Genome position (GRCh38, 1-based): chr5:112,815,551-112,815,554, ACAC deleted; deleting any 4 consecutive bases within chr5:112,815,548-112,815,554 gives the same sequence; the c. name uses the placement nearest the transcript's 3' end. VCF-style (leftmost placement, unchanged base first): chr5-112815547-GCACA-G. GRCh37 (hg19) VCF-style: chr5-112151244-GCACA-G.
Other names: c.891_894del, p.His298fs (NM_001127510.3, NM_001354895.2, NM_001354896.2 and 1 more transcripts); c.837_840del, p.His280fs (NM_001127511.3); c.921_924del, p.His308fs (NM_001354897.2, NM_001354902.2); c.816_819del, p.His273fs (NM_001354898.2, NM_001354904.2); c.807_810del, p.His270fs (NM_001354899.2); c.714_717del, p.His239fs (NM_001354900.2, NM_001354901.2, NM_001354905.2); c.42_45del, p.His15fs (NM_001354906.2); short protein forms H239fs, H270fs, H280fs, H298fs, H15fs, H273fs, H308fs.
Identifiers: ClinVar variation 428121 (VCV000428121.5), dbSNP rs1114167567, ClinGen allele CA645369319.

ClinVar aggregate classification (germline): Pathogenic (1 of 4 stars; one submission).

Conditions:
Hereditary cancer-predisposing syndrome. Also called: Hereditary Cancer Syndrome; Neoplastic Syndromes, Hereditary; Hereditary neoplastic syndrome; Tumor predisposition. Identifiers: Orphanet 140162, MedGen C0027672, MeSH D009386, MONDO:0015356.

Submission:

Ambry Genetics
Classification: Pathogenic for Hereditary cancer-predisposing syndrome. Last evaluated: 2014-12-04. Review status: criteria provided, single submitter. Criteria: Ambry Variant Classification Scheme 2023. Collection method: clinical testing. Allele origin: germline.
Comment: The c.891_894delACAC pathogenic mutation, located in coding exon 8 of the APC gene, results from a deletion of 4 nucleotides between nucleotide positions 891 and 894, causing a translational frameshift with a predicted alternate stop codon. This mutation has previously been identified in one patient with classic familial adenomatous polyposis (Friedl W, Hered Cancer Clin Pract 2005; 3(3):95-114.). In addition to the clinical data presented in the literature, since frameshifts are typically deleterious in nature, this alteration is interpreted as a disease-causing mutation (ACMG Recommendations for Standards for Interpretation and Reporting of Sequence Variations. Revision 2007. Genet Med. 2008;10:294).

Literature cited by the submitters: PubMed 20223039.